The following is an entry in ClinVar:

ClinVar aggregate classification (germline): Pathogenic/Likely pathogenic. Review status: criteria provided, multiple submitters, no conflicts (2 of 4 stars). 5 submissions from 5 submitters: Pathogenic (1); Likely pathogenic (3). 1 of the submissions does not count toward it. Last evaluated 2025-10-18.

Conditions:
GNE myopathy (NM). Also called: MYOPATHY, DISTAL, WITH OR WITHOUT RIMMED VACUOLES; NONAKA DISTAL MYOPATHY; INCLUSION BODY MYOPATHY, HEREDITARY, AUTOSOMAL RECESSIVE; INCLUSION BODY MYOPATHY 2, AUTOSOMAL RECESSIVE; IBM 2; Inclusion body myopathy autosomal recessive. Identifiers: Orphanet 602, MedGen C1853926, MONDO:0011603, OMIM 605820.
Sialuria. Also called: SIALURIA, FRENCH TYPE; Sialic Acid Storage Disease. Identifiers: Orphanet 3166, MedGen C0342853, MONDO:0010028, OMIM 269921.

Allele frequency attached by ClinVar (database versions not stated): gnomAD exomes below 0.00001; TOPMed 0.00001; gnomAD 0.00002 and 0.00003.
gnomAD v4.1: 5 of 1,613,930 alleles (0.00031%); highest among the groups gnomAD compares: African/African-American, 0.0053%; no homozygotes.

Submissions (5):

Labcorp Genetics (formerly Invitae), Labcorp
Classification: Pathogenic for Sialuria; GNE myopathy. Last evaluated: 2025-10-18. Review status: criteria provided, single submitter. Criteria: Invitae Variant Classification Sherloc (09022015). Collection method: clinical testing. Allele origin: germline.
Comment: This sequence change replaces alanine, which is neutral and non-polar, with threonine, which is neutral and polar, at codon 662 of the GNE protein (p.Ala662Thr). This variant is present in population databases (rs121908626, gnomAD 0.01%). This missense change has been observed in individuals with clinical features of autosomal recessive inclusion body myopathy (PMID: 11528398, 18555875). This variant is also known as A631T. ClinVar contains an entry for this variant (Variation ID: 6027). Invitae Evidence Modeling of protein sequence and biophysical properties (such as structural, functional, and spatial information, amino acid conservation, physicochemical variation, residue mobility, and thermodynamic stability) has been performed for this missense variant. However, the output from this modeling did not meet the statistical confidence thresholds required to predict the impact of this variant on GNE protein function. Experimental studies have shown that this missense change affects GNE function (PMID: 16503651). This variant disrupts the p.Ala662 amino acid residue in GNE. Other variant(s) that disrupt this residue have been determined to be pathogenic (PMID: 14707127, 22196754, 24695763). This suggests that this residue is clinically significant, and that variants that disrupt this residue are likely to be disease-causing. For these reasons, this variant has been classified as Pathogenic.

GeneDx
Classification: Likely pathogenic. Last evaluated: 2025-06-10. Review status: criteria provided, single submitter. Criteria: GeneDx Variant Classification Process June 2021. Collection method: clinical testing. Allele origin: germline. Affected: yes.
Comment: Published functional studies demonstrate a damaging effect by cells expressing the p.(A662T) variant showing a reduction in GNE enzyme activity (PMID: 16503651); Identified with a second variant on the opposite allele (in trans) in a patient with hereditary inclusion body myopathy in published literature (PMID: 11528398); In silico analysis suggests that this missense variant does not alter protein structure/function; Missense variants in this gene are a common cause of disease and they are underrepresented in the general population; Also known as p.A631T; This variant is associated with the following publications: (PMID: 24695763, 24796702, 22196754, 14707127, 19917666, 18555875, 16503651, 11528398)

Mayo Clinic Laboratories, Mayo Clinic
Classification: Likely pathogenic. Last evaluated: 2025-02-14. Review status: criteria provided, single submitter. Criteria: ACMG Guidelines, 2015. Collection method: clinical testing. Allele origin: germline. Observed: 1 variant allele.
Comment: PP2, PP3_moderate, PM2_supporting, PM3, PM5

Baylor Genetics
Classification: Likely pathogenic for GNE myopathy. Last evaluated: 2023-12-06. Review status: criteria provided, single submitter. Criteria: ACMG Guidelines, 2015. Collection method: clinical testing. Allele origin: unknown.

OMIM
Classification: Pathogenic for NONAKA MYOPATHY. Last evaluated: 2001-09-01. Review status: no assertion criteria provided. Collection method: literature only. Allele origin: germline. Not counted in ClinVar's aggregate classification.

Literature cited by the submitters: PubMed 11528398 (cited by 3 submitters); PubMed 18555875 (cited by Labcorp Genetics (formerly Invitae), Labcorp and Mayo Clinic Laboratories, Mayo Clinic); PubMed 16503651 (cited by Labcorp Genetics (formerly Invitae), Labcorp and Mayo Clinic Laboratories, Mayo Clinic); PubMed 14707127 (cited by Labcorp Genetics (formerly Invitae), Labcorp); PubMed 22196754 (cited by Labcorp Genetics (formerly Invitae), Labcorp); PubMed 24695763 (cited by Labcorp Genetics (formerly Invitae), Labcorp); PubMed 19917666 (cited by Mayo Clinic Laboratories, Mayo Clinic).

NM_005476.7(GNE):c.1891G>A (p.Ala631Thr)

Gene: GNE (glucosamine (UDP-N-acetyl)-2-epimerase/N-acetylmannosamine kinase; minus strand). Cytogenetic location: 9p13.3.
Variant type: single nucleotide variant.
Coding change: c.1891G>A on transcript NM_005476.7 (MANE Select); coding-DNA position 1891, G replaced by A.
Protein change: p.Ala631Thr; replaces alanine 631 with threonine.
Molecular consequence: missense variant.
Genome position (GRCh38, 1-based): chr9:36,218,225, C>T on the plus strand (G>A on the coding strand, the complement: GNE is on the minus strand). VCF-style: chr9-36218225-C-T. GRCh37 (hg19) VCF-style: chr9-36218222-C-T.
Other names: p.Ala662Thr; c.1984G>A, p.Ala662Thr (NM_001128227.3); c.1669G>A, p.Ala557Thr (NM_001190383.3); c.1561G>A, p.Ala521Thr (NM_001190384.3); c.1714G>A, p.Ala572Thr (NM_001190388.2, NM_001374798.1); c.1738G>A, p.Ala580Thr (NM_001374797.1); c.1984G>A (NM_001128227.2); short protein forms A631T, A521T, A557T, A662T, A580T, A572T.
Identifiers: ClinVar variation 6027 (VCV000006027.13), dbSNP rs121908626, ClinGen allele CA253683.